The following is an entry in ClinVar:

ClinVar aggregate classification (germline): Uncertain significance (1 of 4 stars; one submission).

Conditions:
Malignant hyperthermia, susceptibility to, 1 (MHS1). Also called: Anesthesia related hyperthermia; Malignant hyperpyrexia; Fulminating hyperpyrexia; Pharmacogenic myopathy; RYR1-Related Malignant Hyperthermia Susceptibility; Malignant hyperthermia suceptibility 1. Identifiers: Orphanet 423, MedGen C2930980, MONDO:0007783, OMIM 145600.

Submission:

All of Us Research Program, National Institutes of Health
Classification: Uncertain significance for Malignant hyperthermia, susceptibility to, 1. Last evaluated: 2023-08-15. Review status: criteria provided, single submitter. Criteria: ACMG Guidelines, 2015. Collection method: clinical testing. Allele origin: germline. Inheritance: Autosomal dominant inheritance. Observed: 1 variant allele, 1 heterozygote.
Comment: This missense variant replaces glycine with serine at codon 334 of the RYR1 protein. Computational prediction suggests that this variant may have deleterious impact on protein structure and function (internally defined REVEL score threshold >= 0.7, PMID: 27666373). To our knowledge, functional studies have not been reported for this variant. This variant has not been reported in individuals affected with RYR1-related disorders in the literature. This variant has not been identified in the general population by the Genome Aggregation Database (gnomAD). The available evidence is insufficient to determine the role of this variant in disease conclusively. Therefore, this variant is classified as a Variant of Uncertain Significance.

This study involves interpretation of variants in research participants for the purpose of population health screening. Participant phenotype was not available at the time of variant classification. Additional details can be found in publication PMID: 35346344, PMCID: PMC8962531

NM_000540.3(RYR1):c.1000G>A (p.Gly334Ser)

Gene: RYR1 (ryanodine receptor 1; plus strand). Cytogenetic location: 19q13.2.
Variant type: single nucleotide variant.
Coding change: c.1000G>A on transcript NM_000540.3 (MANE Select); coding-DNA position 1000, G replaced by A.
Protein change: p.Gly334Ser; replaces glycine 334 with serine.
Molecular consequence: missense variant.
Genome position (GRCh38, 1-based): chr19:38,448,691, G>A. VCF-style: chr19-38448691-G-A. GRCh37 (hg19) VCF-style: chr19-38939331-G-A.
Other names: c.1000G>A, p.Gly334Ser (NM_001042723.2); short protein forms G334S.
Identifiers: ClinVar variation 3072877 (VCV003072877.1), dbSNP rs2513997048, ClinGen allele CA405682765.